The following is an entry in ClinVar:

NM_006939.4(SOS2):c.3454C>G (p.Arg1152Gly)

Gene: SOS2 (SOS Ras/Rho guanine nucleotide exchange factor 2; minus strand). Cytogenetic location: 14q21.3.
Variant type: single nucleotide variant.
Coding change: c.3454C>G on transcript NM_006939.4 (MANE Select); coding-DNA position 3454, C replaced by G.
Protein change: p.Arg1152Gly; replaces arginine 1152 with glycine.
Molecular consequence: missense variant.
Genome position (GRCh38, 1-based): chr14:50,120,310, G>C on the plus strand (C>G on the coding strand, the complement: SOS2 is on the minus strand). VCF-style: chr14-50120310-G-C. GRCh37 (hg19) VCF-style: chr14-50587028-G-C.
Other names: c.3355C>G, p.Arg1119Gly (NM_001411020.1); short protein forms R1119G, R1152G.
Identifiers: ClinVar variation 2448248 (VCV002448248.2), dbSNP rs2502768298, ClinGen allele CA389639122.

ClinVar aggregate classification (germline): Uncertain significance (1 of 4 stars; one submission).

Conditions:
Cardiovascular phenotype. Identifiers: MedGen CN230736.

Submission:

Ambry Genetics
Classification: Uncertain significance for Cardiovascular phenotype. Last evaluated: 2023-01-01. Review status: criteria provided, single submitter. Criteria: Ambry Variant Classification Scheme 2023. Collection method: clinical testing. Allele origin: germline.
Comment: The p.R1152G variant (also known as c.3454C>G), located in coding exon 22 of the SOS2 gene, results from a C to G substitution at nucleotide position 3454. The arginine at codon 1152 is replaced by glycine, an amino acid with dissimilar properties. This amino acid position is conserved. In addition, this alteration is predicted to be deleterious by in silico analysis. Since supporting evidence is limited at this time, the clinical significance of this alteration remains unclear.